The following is an entry in ClinVar:

ClinVar aggregate classification (germline): Uncertain significance (1 of 4 stars; one submission).

Submission:

Labcorp Genetics (formerly Invitae), Labcorp
Classification: Uncertain significance. Last evaluated: 2023-03-09. Review status: criteria provided, single submitter. Criteria: Invitae Variant Classification Sherloc (09022015). Collection method: clinical testing. Allele origin: germline.
Comment: An algorithm developed to predict the effect of missense changes on protein structure and function (PolyPhen-2) suggests that this variant is likely to be tolerated. In summary, the available evidence is currently insufficient to determine the role of this variant in disease. Therefore, it has been classified as a Variant of Uncertain Significance. This variant has not been reported in the literature in individuals affected with ANKRD26-related conditions. This sequence change replaces lysine, which is basic and polar, with asparagine, which is neutral and polar, at codon 398 of the ANKRD26 protein (p.Lys398Asn). This variant is not present in population databases (gnomAD no frequency).

NM_014915.3(ANKRD26):c.1194A>C (p.Lys398Asn)

Gene: ANKRD26 (ankyrin repeat domain 26; minus strand). Cytogenetic location: 10p12.1.
Variant type: single nucleotide variant.
Coding change: c.1194A>C on transcript NM_014915.3 (MANE Select); coding-DNA position 1194, A replaced by C.
Protein change: p.Lys398Asn; replaces lysine 398 with asparagine.
Molecular consequence: missense variant.
Genome position (GRCh38, 1-based): chr10:27,067,170, T>G on the plus strand (A>C on the coding strand, the complement: ANKRD26 is on the minus strand). VCF-style: chr10-27067170-T-G. GRCh37 (hg19) VCF-style: chr10-27356099-T-G.
Other names: c.1194A>C, p.Lys398Asn (NM_001256053.2); short protein forms K398N.
Identifiers: ClinVar variation 2830288 (VCV002830288.3), dbSNP rs2539035530, ClinGen allele CA376359808.
Genomic context (GRCh38, chr10:27,067,170, plus strand): 5'-ATAGAACTTAAGGATAGAAAAATATTCAGAGATATCCACTAACTTACCACTTCTATTATT[T>G]TTGTGCACTTCATCAACATAAGTCAAATTGTCATTATTTGTTTGCTCTAGTGGAGCACTT-3'
Protein context (NP_055730.2, residues 388-408): DNLTYVDEVH[Lys398Asn]NNRSDMMSAL